The following is an entry in ClinVar:

NM_000282.4(PCCA):c.1478G>A (p.Arg493His)

Gene: PCCA (propionyl-CoA carboxylase subunit alpha; plus strand). Cytogenetic location: 13q32.3.
Variant type: single nucleotide variant.
Coding change: c.1478G>A on transcript NM_000282.4 (MANE Select); coding-DNA position 1478, G replaced by A.
Protein change: p.Arg493His; replaces arginine 493 with histidine.
Molecular consequence: missense variant. On other transcripts: non-coding transcript variant (5).
Genome position (GRCh38, 1-based): chr13:100,330,609, G>A. VCF-style: chr13-100330609-G-A. GRCh37 (hg19) VCF-style: chr13-100982863-G-A.
Other names: c.1400G>A, p.Arg467His (NM_001127692.3, NM_001352607.2); c.1478G>A, p.Arg493His (NM_001178004.2, NM_001352605.2, NM_001352609.2); c.1334G>A, p.Arg445His (NM_001352606.2); c.1256G>A, p.Arg419His (NM_001352608.2); c.533G>A, p.Arg178His (NM_001352610.2, NM_001352611.2); c.389G>A, p.Arg130His (NM_001352612.2); short protein forms R178H, R130H, R493H, R419H, R445H, R467H.
Identifiers: ClinVar variation 2154806 (VCV002154806.2), dbSNP rs755120963, ClinGen allele CA7033681.

ClinVar aggregate classification (germline): Uncertain significance (1 of 4 stars; one submission).

Conditions:
Propionic acidemia (PROP). Also called: GLYCINEMIA, KETOTIC; HYPERGLYCINEMIA WITH KETOACIDOSIS AND LEUKOPENIA; KETOTIC HYPERGLYCINEMIA. Identifiers: Orphanet 35, MedGen C0268579, MONDO:0011628, OMIM 606054, HP:0003571.

Allele frequency attached by ClinVar (database versions not stated): ExAC 0.00002; gnomAD exomes 0.00004; gnomAD 0.00005; TOPMed 0.00005.
gnomAD v4.1: 67 of 1,612,892 alleles (0.0042%); highest among the groups gnomAD compares: Non-Finnish European, 0.0047%; no homozygotes.

Submission:

Labcorp Genetics (formerly Invitae), Labcorp
Classification: Uncertain significance for Propionic acidemia. Last evaluated: 2026-01-22. Review status: criteria provided, single submitter. Criteria: Invitae Variant Classification Sherloc (09022015). Collection method: clinical testing. Allele origin: germline.
Comment: This sequence change replaces arginine, which is basic and polar, with histidine, which is basic and polar, at codon 493 of the PCCA protein (p.Arg493His). This variant is present in population databases (rs755120963, gnomAD 0.009%). This variant has not been reported in the literature in individuals affected with PCCA-related conditions. ClinVar contains an entry for this variant (Variation ID: 2154806). An algorithm developed to predict the effect of missense changes on protein structure and function outputs the following: PolyPhen-2: "Benign". The histidine amino acid residue is found in multiple mammalian species, which suggests that this missense change does not adversely affect protein function. In summary, the available evidence is currently insufficient to determine the role of this variant in disease. Therefore, it has been classified as a Variant of Uncertain Significance.